The following is an entry in ClinVar:

ClinVar aggregate classification (germline): Pathogenic (1 of 4 stars; one submission).

Conditions:
Hematuria, benign familial, 1 (BFH1). Also called: THIN MEMBRANE NEPHROPATHY. Identifiers: MedGen CN376803, MONDO:0007709, OMIM 141200.

Submission:

Centre de Génétique Humaine, Institut de Pathologie Et de Génétique
Classification: Pathogenic for Hematuria, benign familial, 1. Last evaluated: 2026-05-28. Review status: criteria provided, single submitter. Criteria: ACMG Guidelines, 2015. Collection method: clinical testing. Allele origin: paternal. Inheritance: Autosomal dominant inheritance. Affected: yes. Observed: 1 variant allele, 1 heterozygote. Segregation with disease observed.
Comment: Variant located in the canonical donor splice site of intron 20 (PVS1). This variant is rare: absent in gnomAD v4.1.0 database (PM2).

NM_000092.5(COL4A4):c.1369+2T>C

Gene: COL4A4 (collagen type IV alpha 4 chain; minus strand). Cytogenetic location: 2q36.3.
Variant type: single nucleotide variant.
Coding change: c.1369+2T>C on transcript NM_000092.5 (MANE Select); the canonical splice donor site of the intron after coding-DNA position 1369, T replaced by C.
Molecular consequence: splice donor variant.
Genome position (GRCh38, 1-based): chr2:227,094,123, A>G on the plus strand (T>C on the coding strand, the complement: COL4A4 is on the minus strand). VCF-style: chr2-227094123-A-G. GRCh37 (hg19) VCF-style: chr2-227958839-A-G.
Identifiers: ClinVar variation 4884706 (VCV004884706.1).
Genomic context (GRCh38, chr2:227,094,123, plus strand): 5'-GTGGCACTGCAAATATCAAAAGCAGCATAAATGCTAATGGATATGAATAAGGAGTACTTT[A>G]CCACTTGATCCTGGGAGGCCCTGCAGGCCTGGTGCTCCAGGCAAGCCAGGTGATCCTGGC-3'